The following is an entry in ClinVar:

NM_001009999.3(KDM1A):c.1621A>C (p.Ser541Arg)

Gene: KDM1A (lysine demethylase 1A; plus strand). Cytogenetic location: 1p36.12.
Variant type: single nucleotide variant.
Coding change: c.1621A>C on transcript NM_001009999.3 (MANE Select); coding-DNA position 1621, A replaced by C.
Protein change: p.Ser541Arg; replaces serine 541 with arginine.
Molecular consequence: missense variant.
Genome position (GRCh38, 1-based): chr1:23,072,196, A>C. VCF-style: chr1-23072196-A-C. GRCh37 (hg19) VCF-style: chr1-23398689-A-C.
Other names: c.1549A>C, p.Ser517Arg (NM_001363654.2, NM_015013.4); short protein forms S517R, S541R.
Identifiers: ClinVar variation 1315103 (VCV001315103.2), dbSNP rs1406916061, ClinGen allele CA338968546.
Genomic context (GRCh38, chr1:23,072,196, plus strand): 5'-TTAGCTGAAACACAAGGAAAGCTAGAAGAAAAACTTCAGGAGTTGGAAGCGAATCCCCCA[A>C]GGTAAGGAAAACAAACACAAAAGTTCAGAGGGAGAGCTTTTACTGTTCTTTCAGCTTGAT-3'
Protein context (NP_001009999.1, residues 531-551): KLQELEANPP[Ser541Arg]DVYLSSRDRQ

ClinVar aggregate classification (germline): Uncertain significance (1 of 4 stars; one submission).

Submission:

GeneDx
Classification: Uncertain significance. Last evaluated: 2020-02-28. Review status: criteria provided, single submitter. Criteria: GeneDx Variant Classification Process June 2021. Collection method: clinical testing. Allele origin: germline. Affected: yes.
Comment: Not observed in large population cohorts (Lek et al., 2016); In silico analysis supports that this missense variant has a deleterious effect on protein structure/function; Has not been previously published as pathogenic or benign to our knowledge